The following is an entry in ClinVar:

GRCh38/hg38 22q12.3(chr22:37098319-37127846)x1

Genes: TMPRSS6 (transmembrane serine protease 6; minus strand), IL2RB (interleukin 2 receptor subunit beta; minus strand), LOC130067341 (ATAC-STARR-seq lymphoblastoid active region 18943; plus strand). Cytogenetic location: 22q12.3.
Variant type: copy number loss.
Change: copy number 1 (one copy instead of two) of chr22:37,098,319-37,127,846 (29.5 kb, GRCh38 coordinates, 1-based), cytogenetic band 22q12.3.
Identifiers: ClinVar variation 2579193 (VCV002579193.1).

ClinVar aggregate classification (germline): Pathogenic (1 of 4 stars; one submission).

Conditions:
Iron-refractory iron deficiency anemia (IRIDA). Also called: IRON-HANDLING DISORDER, HEREDITARY; ANEMIA, HYPOCHROMIC MICROCYTIC, WITH DEFECT IN IRON METABOLISM; IRIDA syndrome; PSEUDO-IRON-DEFICIENCY ANEMIA. Identifiers: Orphanet 209981, MedGen C0085576, MONDO:0008788, OMIM 206200. Disease mechanism: loss of function.

Submission:

Broad Center for Mendelian Genomics, Broad Institute of MIT and Harvard
Classification: Pathogenic for Iron-refractory iron deficiency anemia. Last evaluated: 2023-08-24. Review status: criteria provided, single submitter. Criteria: ACMG/ClinGen CNV Guidelines, 2019. Collection method: research. Allele origin: unknown. Inheritance: Autosomal recessive inheritance. Affected: yes.
Comment: These breakpoints have been estimated by exome sequencing only and therefore may not reflect the true breakpoints. Inheritance information is unavailable. The phenotype of the individual heterozygous for this variant is highly specific for iron-refractory iron deficiency anemia. There is partial overlap with the 5’ end of the TMPRSS6 gene including coding sequence (NMD is expected to occur). This alteration is then predicted to lead to a truncated or absent protein. Loss of function of TMPRSS6 is an established disease mechanism in autosomal recessive congenital iron-refractory iron deficiency anemia. In summary, this variant meets criteria to be classified as pathogenic for autosomal recessive iron-refractory iron deficiency anemia. The ACMG/ClinGen evidence codes and points used in this curation are as follows: 1: 0 points, 2: 0.90 points, 3: 0 points, 4-5: 0.15 points; Phenotype specificity: 0.15; Total: 1.20 points; Riggs 2020 (PMID: 31690835).